The following is an entry in ClinVar:

ClinVar aggregate classification (germline): Likely benign. Review status: criteria provided, multiple submitters, no conflicts (2 of 4 stars). 4 submissions from 4 submitters: Likely benign (4). Last evaluated 2026-01-22.

Conditions:
CACNA1B-related disorder. Also called: CACNA1B-related condition.

Allele frequency attached by ClinVar (database versions not stated): gnomAD 0.00001 and 0.00002; TOPMed 0.00003; ExAC 0.00006; gnomAD exomes 0.00006; 1000 Genomes Project 0.00020; 1000 Genomes Project 30x 0.00062.
gnomAD v4.1: 40 of 1,613,408 alleles (0.0025%); highest among the groups gnomAD compares: South Asian, 0.027%; 1 homozygote.

Submissions (4):

PreventionGenetics, part of Exact Sciences
Classification: Likely benign for CACNA1B-related condition. Last evaluated: 2026-01-22. Review status: criteria provided, single submitter. Criteria: ACMG Guidelines, 2015. Collection method: clinical testing. Allele origin: germline.
Comment: This variant is classified as likely benign based on ACMG/AMP sequence variant interpretation guidelines (Richards et al. 2015 PMID: 25741868, with internal and published modifications).

Labcorp Genetics (formerly Invitae), Labcorp
Classification: Likely benign. Last evaluated: 2025-11-23. Review status: criteria provided, single submitter. Criteria: Invitae Variant Classification Sherloc (09022015). Collection method: clinical testing. Allele origin: germline.

Blueprint Genetics
Classification: Likely benign. Last evaluated: 2024-10-31. Review status: criteria provided, single submitter. Criteria: ACMG Guidelines, 2015. Collection method: clinical testing. Allele origin: germline.

CeGaT Center for Human Genetics Tuebingen
Classification: Likely benign. Last evaluated: 2023-08-01. Review status: criteria provided, single submitter. Criteria: CeGaT Center For Human Genetics Tuebingen Variant Classification Criteria Version 2. Collection method: clinical testing. Allele origin: germline. Affected: yes. Observed: 1 variant allele.
Comment: CACNA1B: BP4, BP7

NM_000718.4(CACNA1B):c.3495C>T (p.Ile1165=)

Gene: CACNA1B (calcium voltage-gated channel subunit alpha1 B; plus strand). Cytogenetic location: 9q34.3.
Variant type: single nucleotide variant.
Coding change: c.3495C>T on transcript NM_000718.4 (MANE Select); coding-DNA position 3495, C replaced by T.
Protein change: p.Ile1165=; no amino-acid change (isoleucine 1165 retained).
Molecular consequence: synonymous variant.
Genome position (GRCh38, 1-based): chr9:138,046,985, C>T. VCF-style: chr9-138046985-C-T. GRCh37 (hg19) VCF-style: chr9-140941437-C-T.
Other names: c.3495C>T, p.Ile1165= (NM_001243812.2).
Identifiers: ClinVar variation 758753 (VCV000758753.34), dbSNP rs200895076, ClinGen allele CA5376701.